The following is an entry in ClinVar:

ClinVar aggregate classification (germline): Likely benign. Review status: criteria provided, multiple submitters, no conflicts (2 of 4 stars). 3 submissions from 3 submitters: Likely benign (2). 1 of the submissions does not count toward it. Last evaluated 2025-05-06.

Conditions:
KIZ-related disorder. Also called: KIZ-related condition.

gnomAD v4.1: 301 of 1,610,560 alleles (0.019%); highest among the groups gnomAD compares: Non-Finnish European, 0.024%; no homozygotes.

Submissions (3):

Labcorp Genetics (formerly Invitae), Labcorp
Classification: Likely benign. Last evaluated: 2025-05-06. Review status: criteria provided, single submitter. Criteria: Invitae Variant Classification Sherloc (09022015). Collection method: clinical testing. Allele origin: germline.

Blueprint Genetics
Classification: Likely benign. Last evaluated: 2023-07-14. Review status: criteria provided, single submitter. Criteria: ACMG Guidelines, 2015. Collection method: clinical testing. Allele origin: germline.

PreventionGenetics, part of Exact Sciences
Classification: Likely benign for KIZ-related condition. Last evaluated: 2020-08-19. Review status: no assertion criteria provided. Collection method: clinical testing. Allele origin: germline. Not counted in ClinVar's aggregate classification.
Comment: This variant is classified as likely benign based on ACMG/AMP sequence variant interpretation guidelines (Richards et al. 2015 PMID: 25741868, with internal and published modifications).

NM_018474.6(KIZ):c.417C>T (p.His139=)

Gene: KIZ (kizuna centrosomal protein; plus strand). Cytogenetic location: 20p11.23.
Variant type: single nucleotide variant.
Coding change: c.417C>T on transcript NM_018474.6 (MANE Select); coding-DNA position 417, C replaced by T.
Protein change: p.His139=; no amino-acid change (histidine 139 retained).
Molecular consequence: synonymous variant.
Genome position (GRCh38, 1-based): chr20:21,161,882, C>T. VCF-style: chr20-21161882-C-T. GRCh37 (hg19) VCF-style: chr20-21142523-C-T.
Other names: c.108C>T, p.His36= (NM_001163022.3, NM_001352435.2); c.18C>T, p.His6= (NM_001163023.3); c.270C>T, p.His90= (NM_001276389.2); c.417C>T, p.His139= (NM_001352434.2); c.75C>T, p.His25= (NM_001352436.2); c.417C>T (NM_018474.5).
Identifiers: ClinVar variation 1112418 (VCV001112418.12), dbSNP rs4815025, ClinGen allele CA9784645.
Genomic context (GRCh38, chr20:21,161,882, plus strand): 5'-AATTGTTTATACACAGTATGTTTAACTCACATCTCTTTTGGTGTTGCAGGTTGCAGTGCA[C>T]GAGGGGATTAACTCAGGAACAGCCATGTCAAGAGGATTGTATCAACCAGCAACAATCTTT-3'
Protein context (NP_060944.3, residues 129-149): TDEDREKVAV[His139=]EGINSGTAMS